The following is an entry in ClinVar:

ClinVar aggregate classification (germline): Pathogenic/Likely pathogenic. Review status: criteria provided, multiple submitters, no conflicts (2 of 4 stars). 4 submissions from 4 submitters: Pathogenic (2); Likely pathogenic (1). 1 of the submissions does not count toward it. Last evaluated 2024-05-23.

Conditions:
Niemann-Pick disease, type B. Also called: Chronic Visceral ASMD (Niemann-Pick Disease Type B; NPD-B). Identifiers: Orphanet 77293, MedGen C0268243, MONDO:0011871, OMIM 607616. Disease mechanism: loss of function.
Niemann-Pick disease, type A. Also called: SPHINGOMYELIN LIPIDOSIS; SPHINGOMYELINASE DEFICIENCY; Infantile Neurovisceral ASMD (Niemann-Pick Disease Type A; NPD-A). Identifiers: Orphanet 77292, MedGen C0268242, MONDO:0009756, OMIM 257200. Disease mechanism: loss of function.

Allele frequency attached by ClinVar (database versions not stated): gnomAD exomes 0.00001.

Submissions (4):

Fulgent Genetics
Classification: Likely pathogenic for Niemann-Pick disease, type A; Niemann-Pick disease, type B. Last evaluated: 2024-05-23. Review status: criteria provided, single submitter. Criteria: ACMG Guidelines, 2015. Collection method: clinical testing. Allele origin: germline.

Victorian Clinical Genetics Services, Murdoch Childrens Research Institute
Classification: Pathogenic for Niemann-Pick disease, type A. Last evaluated: 2023-12-21. Review status: criteria provided, single submitter. Criteria: ACMG Guidelines, 2015. Collection method: clinical testing. Allele origin: germline. Inheritance: Autosomal recessive inheritance. Affected: yes.
Comment: Based on the classification scheme VCGS_Germline_v1.3.4, this variant is classified as Pathogenic. Following criteria are met: 0102 - Loss of function is a known mechanism of disease in this gene and is associated with Niemann-Pick disease, type B, (MIM#607616), and Niemann-Pick disease, type A, (MIM#257200). (I) 0106 - This gene is associated with autosomal recessive disease. (I) 0201 - Variant is predicted to cause nonsense-mediated decay (NMD) and loss of protein (premature termination codon is located at least 54 nucleotides upstream of the final exon-exon junction). (SP) 0251 - This variant is heterozygous. (I) 0301 - Variant is absent from gnomAD (both v2 and v3). (SP) 0701 - Other NMD-predicted variants comparable to the one identified in this case have very strong previous evidence for pathogenicity (DECIPHER). (SP) 0808 - Previous reports of pathogenicity for this variant are conflicting. This variant has been reported once as likely pathogenic, and once as a VUS as part of a screening study (ClinVar). (I) 0905 - No published segregation evidence has been identified for this variant. (I) 1007 - No published functional evidence has been identified for this variant. (I) 1208 - Inheritance information for this variant is not currently available in this individual. (I) Legend: (SP) - Supporting pathogenic, (I) - Information, (SB) - Supporting benign

Labcorp Genetics (formerly Invitae), Labcorp
Classification: Pathogenic for Niemann-Pick disease, type B; Niemann-Pick disease, type A. Last evaluated: 2023-01-23. Review status: criteria provided, single submitter. Criteria: Invitae Variant Classification Sherloc (09022015). Collection method: clinical testing. Allele origin: germline.
Comment: For these reasons, this variant has been classified as Pathogenic. ClinVar contains an entry for this variant (Variation ID: 558404). This variant has not been reported in the literature in individuals affected with SMPD1-related conditions. This variant is not present in population databases (gnomAD no frequency). This sequence change creates a premature translational stop signal (p.Gln19Argfs*58) in the SMPD1 gene. It is expected to result in an absent or disrupted protein product. Loss-of-function variants in SMPD1 are known to be pathogenic (PMID: 12369017, 15221801).

Counsyl
Classification: Likely pathogenic for Niemann-Pick disease, type A. Last evaluated: 2018-05-18. Review status: no assertion criteria provided. Collection method: clinical testing. Allele origin: unknown. Not counted in ClinVar's aggregate classification.

Literature cited by the submitters: PubMed 12369017 (cited by Labcorp Genetics (formerly Invitae), Labcorp); PubMed 15221801 (cited by Labcorp Genetics (formerly Invitae), Labcorp).

NM_000543.5(SMPD1):c.56del (p.Gln19fs)

Genes: SMPD1 (sphingomyelin phosphodiesterase 1; plus strand), LOC130005193 (ATAC-STARR-seq lymphoblastoid silent region 3099; plus strand). Cytogenetic location: 11p15.4.
Variant type: Deletion.
Coding change: c.56del on transcript NM_000543.5 (MANE Select); coding-DNA position 56, one base deleted (A; older notation c.56delA).
Protein change: p.Gln19fs; shifts the reading frame from glutamine 19.
Molecular consequence: frameshift variant. On other transcripts: 5 prime UTR variant (1), non-coding transcript variant (2).
Genome position (GRCh38, 1-based): chr11:6,390,654, A deleted. VCF-style (leftmost placement, unchanged base first): chr11-6390653-CA-C. GRCh37 (hg19) VCF-style: chr11-6411883-CA-C.
Other names: c.56del, p.Gln19fs (NM_001007593.3, NM_001318087.2, NM_001365135.2); c.-906del (NM_001318088.2); short protein forms Q19fs.
Identifiers: ClinVar variation 558404 (VCV000558404.12), dbSNP rs1554933746, ClinGen allele CA658822275.